The following is an entry in ClinVar:

ClinVar aggregate classification (germline): Likely pathogenic (1 of 4 stars; one submission).

Conditions:
Facial dysmorphism-lens dislocation-anterior segment abnormalities-spontaneous filtering blebs syndrome. Also called: Facial dysmorphism, lens dislocation, anterior segment abnormalities, and spontaneous filtering blebs; TRABOULSI SYNDROME. Identifiers: Orphanet 412022, MedGen C1832167, MONDO:0011106, OMIM 601552.

gnomAD v4.1: 3 of 1,613,966 alleles (0.00019%); highest among the groups gnomAD compares: East Asian, 0.0022%; no homozygotes.

Submission:

Juno Genomics, Hangzhou Juno Genomics, Inc
Classification: Likely pathogenic for Facial dysmorphism-lens dislocation-anterior segment abnormalities-spontaneous filtering blebs syndrome. Review status: criteria provided, single submitter. Criteria: ACMG Guidelines, 2015. Collection method: clinical testing. Allele origin: germline.
Comment: Null variant in a gene where loss of function (LOF) is a known mechanism of disease.;Absent from controls (or at extremely low frequency if recessive) in Genome Aggregation Database.

NM_004318.4(ASPH):c.1792C>T (p.Arg598Ter)

Gene: ASPH (aspartate beta-hydroxylase; minus strand). Cytogenetic location: 8q12.3.
Variant type: single nucleotide variant.
Coding change: c.1792C>T on transcript NM_004318.4 (MANE Select); coding-DNA position 1792, C replaced by T.
Protein change: p.Arg598Ter; replaces arginine 598 with a stop codon.
Molecular consequence: nonsense.
Genome position (GRCh38, 1-based): chr8:61,526,085, G>A on the plus strand (C>T on the coding strand, the complement: ASPH is on the minus strand). VCF-style: chr8-61526085-G-A. GRCh37 (hg19) VCF-style: chr8-62438644-G-A.
Other names: c.1585C>T, p.Arg529Ter (NM_001413884.1); c.1576C>T, p.Arg526Ter (NM_001413885.1); c.1564C>T, p.Arg522Ter (NM_001413886.1, NM_001413887.1); c.1561C>T, p.Arg521Ter (NM_001413888.1); c.1549C>T, p.Arg517Ter (NM_001413889.1); c.1543C>T, p.Arg515Ter (NM_001413890.1); c.1792C>T, p.Arg598Ter (NM_001413891.1, NM_001413849.1, NM_001413844.1); c.1789C>T, p.Arg597Ter (NM_001413893.1, NM_001413850.1, NM_001413851.1); and 33 more; short protein forms R436*, R511*, R522*, R526*, R529*, R554*, R565*, R578*.
Identifiers: ClinVar variation 5007323 (VCV005007323.2).